The following is an entry in ClinVar:

ClinVar aggregate classification (germline): Benign. Review status: criteria provided, multiple submitters, no conflicts (2 of 4 stars). 3 submissions from 3 submitters: Benign (3). Last evaluated 2026-01-31.

Conditions:
Vitamin D-dependent rickets type II with alopecia (VDDR2A). Also called: GENERALIZED RESISTANCE TO 1,25-DIHYDROXYVITAMIN D; HYPOCALCEMIC VITAMIN D-RESISTANT RICKETS; PDDR IIA; Vitamin D-dependent rickets, type 2A; PSEUDOVITAMIN D-DEFICIENCY, TYPE IIA; RICKETS, HEREDITARY VITAMIN D-RESISTANT. Identifiers: Orphanet 93160, MedGen C0342646, MONDO:0010186, OMIM 277440.

Allele frequency attached by ClinVar (database versions not stated): ExAC 0.00243; gnomAD 0.00715 and 0.00770; ESP Exome Variant Server 0.00769; TOPMed 0.00830; 1000 Genomes Project 0.00839; 1000 Genomes Project 30x 0.00890.
gnomAD v4.1: 2,205 of 1,614,142 alleles (0.14%); highest among the groups gnomAD compares: African/African-American, 2.6%; 32 homozygotes.

Submissions (3):

Labcorp Genetics (formerly Invitae), Labcorp
Classification: Benign. Last evaluated: 2026-01-31. Review status: criteria provided, single submitter. Criteria: Invitae Variant Classification Sherloc (09022015). Collection method: clinical testing. Allele origin: germline.

Illumina Laboratory Services, Illumina
Classification: Benign for Vitamin D-dependent rickets type II with alopecia. Last evaluated: 2017-04-27. Review status: criteria provided, single submitter. Criteria: ICSL Variant Classification Criteria 13 December 2019. Collection method: clinical testing. Allele origin: germline.
Comment: This variant was observed as part of a predisposition screen in an ostensibly healthy population. A literature search was performed for the gene, cDNA change, and amino acid change (where applicable). No publications were found based on this search. Allele frequency data from public databases was too high to be consistent with this variant causing disease. Therefore, this variant is classified as benign.

Breakthrough Genomics
Classification: Benign. Review status: criteria provided, single submitter. Criteria: ACMG Guidelines, 2015. Collection method: not provided. Allele origin: germline. Inheritance: Autosomal recessive inheritance. Affected: yes.

NM_000376.3(VDR):c.48T>C (p.Phe16=)

Gene: VDR (vitamin D receptor; minus strand). Cytogenetic location: 12q13.11.
Variant type: single nucleotide variant.
Coding change: c.48T>C on transcript NM_000376.3 (MANE Select); coding-DNA position 48, T replaced by C.
Protein change: p.Phe16=; no amino-acid change (phenylalanine 16 retained).
Molecular consequence: synonymous variant.
Genome position (GRCh38, 1-based): chr12:47,879,066, A>G on the plus strand (T>C on the coding strand, the complement: VDR is on the minus strand). VCF-style: chr12-47879066-A-G. GRCh37 (hg19) VCF-style: chr12-48272849-A-G.
Other names: c.48T>C, p.Phe16= (NM_001017535.2, NM_001364085.2, NM_001374661.1 and 1 more transcripts); c.198T>C, p.Phe66= (NM_001017536.2).
Identifiers: ClinVar variation 778589 (VCV000778589.15), dbSNP rs11832059, ClinGen allele CA6534100.